The following is an entry in ClinVar:

NM_001385012.1(NBEA):c.4662+1G>C

Gene: NBEA (neurobeachin; plus strand). Cytogenetic location: 13q13.3.
Variant type: single nucleotide variant.
Coding change: c.4662+1G>C on transcript NM_001385012.1 (MANE Select); the canonical splice donor site of the intron after coding-DNA position 4662, G replaced by C.
Molecular consequence: splice donor variant.
Genome position (GRCh38, 1-based): chr13:35,177,104, G>C. VCF-style: chr13-35177104-G-C. GRCh37 (hg19) VCF-style: chr13-35751241-G-C.
Other names: c.4662+1G>C (NM_015678.5); c.4653+1G>C (NM_001379245.1).
Identifiers: ClinVar variation 976285 (VCV000976285.1), dbSNP rs2070957033, ClinGen allele CA387831585.
Genomic context (GRCh38, chr13:35,177,104, plus strand): 5'-GATAGACTTCTTCAGGATGTTGATATCAATCGCCTTCGTGCTGTTGTCTTTCGGGATGTG[G>C]TAAGTTATACCTGATTGGTTTCCCTGAAATAAACCTTCTACTGTCATTCGTATGAAATAC-3'

ClinVar aggregate classification (germline): Pathogenic (1 of 4 stars; one submission).

Conditions:
Neurodevelopmental delay. Identifiers: MedGen C4022738, HP:0012758.
Epilepsy. Also called: Seizure disorder. Identifiers: MedGen C0014544, MeSH D004827, MONDO:0005027.

Submission:

Institute of Human Genetics, University of Leipzig Medical Center
Classification: Pathogenic for Neurodevelopmental delay; Epilepsy. Last evaluated: 2019-08-20. Review status: criteria provided, single submitter. Criteria: ACMG Guidelines, 2015. Collection method: clinical testing. Allele origin: de novo. Affected: yes. Observed: 1 variant allele.
Comment: This variant was identified as de novo (maternity and paternity confirmed).